The following is an entry in ClinVar:

NM_001286.5(CLCN6):c.1425T>C (p.Leu475=)

Gene: CLCN6 (Cl-/H+ antiporter 6; plus strand). Cytogenetic location: 1p36.22.
Variant type: single nucleotide variant.
Coding change: c.1425T>C on transcript NM_001286.5 (MANE Select); coding-DNA position 1425, T replaced by C.
Protein change: p.Leu475=; no amino-acid change (leucine 475 retained).
Molecular consequence: synonymous variant. On other transcripts: non-coding transcript variant (1).
Genome position (GRCh38, 1-based): chr1:11,833,929, T>C. VCF-style: chr1-11833929-T-C. GRCh37 (hg19) VCF-style: chr1-11893986-T-C.
Other names: c.1359T>C, p.Leu453= (NM_001256959.2).
Identifiers: ClinVar variation 1540353 (VCV001540353.9), dbSNP rs376468817, ClinGen allele CA596476.

ClinVar aggregate classification (germline): Likely benign. Review status: criteria provided, multiple submitters, no conflicts (2 of 4 stars). 2 submissions from 2 submitters: Likely benign (2). Last evaluated 2026-07-01.

Allele frequency attached by ClinVar (database versions not stated): gnomAD 0.00002; ExAC 0.00003; TOPMed 0.00004; ESP Exome Variant Server 0.00008.
gnomAD v4.1: 32 of 1,613,826 alleles (0.002%); highest among the groups gnomAD compares: Non-Finnish European, 0.0027%; no homozygotes.

Submissions (2):

CeGaT Center for Human Genetics Tuebingen
Classification: Likely benign. Last evaluated: 2026-07-01. Review status: criteria provided, single submitter. Criteria: CeGaT Center For Human Genetics Tuebingen Variant Classification Criteria Version 2. Collection method: clinical testing. Allele origin: germline. Affected: yes. Observed: 1 variant allele.
Comment: CLCN6: BP4, BP7

Labcorp Genetics (formerly Invitae), Labcorp
Classification: Likely benign. Last evaluated: 2024-10-17. Review status: criteria provided, single submitter. Criteria: Invitae Variant Classification Sherloc (09022015). Collection method: clinical testing. Allele origin: germline.